The following is an entry in ClinVar:

ClinVar aggregate classification (germline): Conflicting classifications of pathogenicity. Review status: criteria provided, conflicting classifications (1 of 4 stars). 2 submissions from 2 submitters: Uncertain significance (1); Likely benign (1). Last evaluated 2025-05-08.

Conditions:
DST-related disorder. Also called: DST-related condition; DST-related disorders.
Epidermolysis bullosa simplex 3, localized or generalized intermediate, with BP230 deficiency (EBS3). Also called: Epidermolysis bullosa simplex, autosomal recessive 2; Epidermolysis bullosa simplex due to BP230 deficiency. Identifiers: Orphanet 412181, MedGen C3809470, MONDO:0014180, OMIM 615425.
Hereditary sensory and autonomic neuropathy type 6. Also called: Neuropathy, hereditary sensory and autonomic, type VI; HSAN VI. Identifiers: Orphanet 314381, MedGen C3539003, MONDO:0013839, OMIM 614653.

Allele frequency attached by ClinVar (database versions not stated): TOPMed below 0.00001.
gnomAD v4.1: 8 of 1,613,912 alleles (0.0005%); highest among the groups gnomAD compares: Non-Finnish European, 0.00068%; no homozygotes.

Submissions (2):

PreventionGenetics, part of Exact Sciences
Classification: Likely benign for DST-related condition. Last evaluated: 2025-05-08. Review status: criteria provided, single submitter. Criteria: ACMG Guidelines, 2015. Collection method: clinical testing. Allele origin: germline.
Comment: This variant is classified as likely benign based on ACMG/AMP sequence variant interpretation guidelines (Richards et al. 2015 PMID: 25741868, with internal and published modifications).

Labcorp Genetics (formerly Invitae), Labcorp
Classification: Uncertain significance for Epidermolysis bullosa simplex 3, localized or generalized intermediate, with BP230 deficiency; Hereditary sensory and autonomic neuropathy type 6. Last evaluated: 2024-01-06. Review status: criteria provided, single submitter. Criteria: Invitae Variant Classification Sherloc (09022015). Collection method: clinical testing. Allele origin: germline.
Comment: The DST gene has multiple clinically relevant transcripts. This variant occurs in alternate transcript NM_015548.4, and corresponds to NM_001723.5:c.*62880G>C in the primary transcript. This sequence change affects codon 2762 of the DST mRNA. It is a 'silent' change, meaning that it does not change the encoded amino acid sequence of the DST protein. This variant is present in population databases (no rsID available, gnomAD 0.0009%). This variant has not been reported in the literature in individuals affected with DST-related conditions. Experimental studies and prediction algorithms are not available or were not evaluated, and the effect of this variant on mRNA splicing is currently unknown. In summary, the available evidence is currently insufficient to determine the role of this variant in disease. Therefore, it has been classified as a Variant of Uncertain Significance.

NM_001374736.1(DST):c.16155G>C (p.Gly5385=)

Gene: DST (dystonin; minus strand). Cytogenetic location: 6p12.1.
Variant type: single nucleotide variant.
Coding change: c.16155G>C on transcript NM_001374736.1 (MANE Select); coding-DNA position 16155, G replaced by C.
Protein change: p.Gly5385=; no amino-acid change (glycine 5385 retained).
Molecular consequence: synonymous variant.
Genome position (GRCh38, 1-based): chr6:56,552,637, C>G on the plus strand (G>C on the coding strand, the complement: DST is on the minus strand). VCF-style: chr6-56552637-C-G. GRCh37 (hg19) VCF-style: chr6-56417435-C-G.
Other names: c.9798G>C (NM_001144769.2); c.9798G>C, p.Gly3266= (NM_001144769.5); c.9384G>C, p.Gly3128= (NM_001144770.2); c.16155G>C, p.Gly5385= (NM_001374722.1); c.15522G>C, p.Gly5174= (NM_001374729.1); c.9264G>C, p.Gly3088= (NM_001374730.1, NM_001386100.1, NM_183380.4); c.16182G>C, p.Gly5394= (NM_001374734.1); c.8286G>C, p.Gly2762= (NM_015548.5).
Identifiers: ClinVar variation 2934225 (VCV002934225.4), dbSNP rs1210781687, ClinGen allele CA450619812.